The following is an entry in ClinVar:

NM_020134.4(DPYSL5):c.1652G>A (p.Arg551Gln)

Gene: DPYSL5 (dihydropyrimidinase like 5; plus strand). Cytogenetic location: 2p23.3.
Variant type: single nucleotide variant.
Coding change: c.1652G>A on transcript NM_020134.4 (MANE Select); coding-DNA position 1652, G replaced by A.
Protein change: p.Arg551Gln; replaces arginine 551 with glutamine.
Molecular consequence: missense variant.
Genome position (GRCh38, 1-based): chr2:26,946,952, G>A. VCF-style: chr2-26946952-G-A. GRCh37 (hg19) VCF-style: chr2-27169820-G-A.
Other names: p.Arg551Gln; c.1652G>A, p.Arg551Gln (NM_001253723.2, NM_001253724.2); short protein forms R551Q.
Identifiers: ClinVar variation 4796477 (VCV004796477.1).

ClinVar aggregate classification (germline): Uncertain significance (1 of 4 stars; one submission).

Conditions:
Ritscher-Schinzel syndrome 4. Identifiers: MedGen C5561939, MONDO:0030331, OMIM 619435.

gnomAD v4.1: 2 of 1,614,122 alleles (0.00012%); highest among the groups gnomAD compares: Non-Finnish European, 0.00017%; no homozygotes.

Submission:

Medical Genetics Clinic, University of Catania
Classification: Uncertain significance for Ritscher-Schinzel syndrome 4. Last evaluated: 2025-11-24. Review status: criteria provided, single submitter. Criteria: ACMG Guidelines, 2015. Collection method: clinical testing. Allele origin: unknown. Inheritance: Autosomal dominant inheritance. Observed: 1 heterozygote.
Comment: The c.1652G>A (p.Arg551Gln) variant in the DPYSL5 gene is not reported in the gnomAD reference population database. In silico prediction tools suggest a possible pathogenic effect on the structure/activity of the protein (Polyphen: probably damaging, SIFT: deleterious, MutationTaster: disease causing). The pLI value (the probability of being loss-of-function intolerant) of the DPYSL5 gene is 1, indicating that the gene does not tolerate loss-of-function variants. In light of the above, the c.1652G>A (p.Arg551Gln) variant in the DPYSL5 gene has been classified as a Variant of Uncertain Significance.